The following is an entry in ClinVar:

NM_032578.4(MYPN):c.319C>T (p.His107Tyr)

Gene: MYPN (myopalladin; plus strand). Cytogenetic location: 10q21.3.
Variant type: single nucleotide variant.
Coding change: c.319C>T on transcript NM_032578.4 (MANE Select); coding-DNA position 319, C replaced by T.
Protein change: p.His107Tyr; replaces histidine 107 with tyrosine.
Molecular consequence: missense variant. On other transcripts: non-coding transcript variant (1), 5 prime UTR variant (1).
Genome position (GRCh38, 1-based): chr10:68,121,757, C>T. VCF-style: chr10-68121757-C-T. GRCh37 (hg19) VCF-style: chr10-69881514-C-T.
Other names: c.319C>T, p.His107Tyr (NM_001256267.2); c.-804C>T (NM_001256268.2); short protein forms H107Y.
Identifiers: ClinVar variation 1728761 (VCV001728761.2), dbSNP rs755524663, ClinGen allele CA5522259.

ClinVar aggregate classification (germline): Uncertain significance (1 of 4 stars; one submission).

Conditions:
Cardiovascular phenotype. Identifiers: MedGen CN230736.

Allele frequency attached by ClinVar (database versions not stated): ExAC 0.00001; gnomAD 0.00001; gnomAD exomes 0.00001.

Submission:

Ambry Genetics
Classification: Uncertain significance for Cardiovascular phenotype. Last evaluated: 2021-04-08. Review status: criteria provided, single submitter. Criteria: Ambry Variant Classification Scheme 2023. Collection method: clinical testing. Allele origin: germline.
Comment: The p.H107Y variant (also known as c.319C>T), located in coding exon 1 of the MYPN gene, results from a C to T substitution at nucleotide position 319. The histidine at codon 107 is replaced by tyrosine, an amino acid with similar properties. This amino acid position is not well conserved in available vertebrate species, and tyrosine is the reference amino acid in other vertebrate species. In addition, this alteration is predicted to be tolerated by in silico analysis. Since supporting evidence is limited at this time, the clinical significance of this alteration remains unclear.